The following is an entry in ClinVar:

ClinVar aggregate classification (germline): Pathogenic. Review status: reviewed by expert panel (3 of 4 stars). 4 submissions from 4 submitters: Pathogenic (1). 3 of the submissions do not count toward it. Last evaluated 2016-10-18.

Conditions:
Hereditary cancer-predisposing syndrome. Also called: Tumor predisposition; Neoplastic Syndromes, Hereditary; Hereditary neoplastic syndrome; Hereditary Cancer Syndrome. Identifiers: Orphanet 140162, MedGen C0027672, MeSH D009386, MONDO:0015356.
Hereditary breast ovarian cancer syndrome. Also called: Hereditary breast and ovarian cancer; Hereditary breast and ovarian cancer syndrome (HBOC); Hereditary breast and/or ovarian cancer syndrome; Breast and ovarian cancer; Hereditary breast and ovarian cancer syndrome; BRCA1- and BRCA2-Associated Hereditary Breast and Ovarian Cancer. Identifiers: Orphanet 145, MedGen C0677776, MeSH D061325, MONDO:0003582. Disease mechanism: loss of function.
Breast-ovarian cancer, familial, susceptibility to, 2 (BROVCA2). Also called: BRCA2 Hereditary Breast and Ovarian Cancer. Identifiers: Orphanet 145, MedGen C2675520, MONDO:0012933, OMIM 612555. Disease mechanism: loss of function.

Submissions (4):

Evidence-based Network for the Interpretation of Germline Mutant Alleles (ENIGMA)
Classification: Pathogenic for Breast-ovarian cancer, familial, susceptibility to, 2. Last evaluated: 2016-10-18. Review status: reviewed by expert panel. Criteria: ENIGMA BRCA1/2 Classification Criteria (2015). Collection method: curation. Allele origin: germline.
Comment: Variant allele predicted to encode a truncated non-functional protein.

Labcorp Genetics (formerly Invitae), Labcorp
Classification: Pathogenic for Hereditary breast ovarian cancer syndrome. Last evaluated: 2025-11-10. Review status: criteria provided, single submitter. Criteria: Invitae Variant Classification Sherloc (09022015). Collection method: clinical testing. Allele origin: germline. Not counted in ClinVar's aggregate classification.
Comment: This sequence change creates a premature translational stop signal (p.Asn1287Lysfs*5) in the BRCA2 gene. It is expected to result in an absent or disrupted protein product. Loss-of-function variants in BRCA2 are known to be pathogenic (PMID: 20104584). This variant is not present in population databases (gnomAD no frequency). This premature translational stop signal has been observed in individual(s) with clinical features of hereditary breast and ovarian cancer syndrome (PMID: 29446198). ClinVar contains an entry for this variant (Variation ID: 266777). For these reasons, this variant has been classified as Pathogenic.

Ambry Genetics
Classification: Pathogenic for Hereditary cancer-predisposing syndrome. Last evaluated: 2025-08-19. Review status: criteria provided, single submitter. Criteria: Ambry Variant Classification Scheme 2023. Collection method: clinical testing. Allele origin: germline. Not counted in ClinVar's aggregate classification.
Comment: The c.3861_3864delTAAT pathogenic mutation, located in coding exon 10 of the BRCA2 gene, results from a deletion of 4 nucleotides at nucleotide positions 3861 to 3864, causing a translational frameshift with a predicted alternate stop codon (p.N1287Kfs*5). This variant is considered to be rare based on population cohorts in the Genome Aggregation Database (gnomAD). This alteration is expected to result in loss of function by premature protein truncation or nonsense-mediated mRNA decay. As such, this alteration is interpreted as a disease-causing mutation.

Consortium of Investigators of Modifiers of BRCA1/2 (CIMBA), c/o University of Cambridge
Classification: Pathogenic for Breast-ovarian cancer, familial, susceptibility to, 2. Last evaluated: 2015-10-02. Review status: criteria provided, single submitter. Criteria: CIMBA Mutation Classification guidelines May 2016. Collection method: clinical testing. Allele origin: germline. Not counted in ClinVar's aggregate classification.

Literature cited by the submitters: PubMed 20104584 (cited by Labcorp Genetics (formerly Invitae), Labcorp); PubMed 29446198 (cited by Labcorp Genetics (formerly Invitae), Labcorp).

NM_000059.4(BRCA2):c.3861_3864del (p.Asn1287fs)

Gene: BRCA2 (BRCA2 DNA repair associated; plus strand). Cytogenetic location: 13q13.1.
Variant type: Deletion.
Coding change: c.3861_3864del on transcript NM_000059.4 (MANE Select); coding-DNA positions 3861 to 3864, 4 bases deleted (TAAT; older notation c.3861_3864delTAAT).
Protein change: p.Asn1287fs; shifts the reading frame from asparagine 1287.
Molecular consequence: frameshift variant.
Genome position (GRCh38, 1-based): chr13:32,338,216-32,338,219, TAAT deleted. VCF-style (leftmost placement, unchanged base first): chr13-32338215-ATAAT-A. GRCh37 (hg19) VCF-style: chr13-32912352-ATAAT-A.
Other names: 4089del4; c.3861_3864delTAAT (NM_000059.3); short protein forms N1287fs.
Identifiers: ClinVar variation 266777 (VCV000266777.16), dbSNP rs886040500, ClinGen allele CA10589227.